The following is an entry in ClinVar:

NM_000722.4(CACNA2D1):c.3218T>C (p.Ile1073Thr)

Gene: CACNA2D1 (calcium voltage-gated channel auxiliary subunit alpha2delta 1; minus strand). Cytogenetic location: 7q21.11.
Variant type: single nucleotide variant.
Coding change: c.3218T>C on transcript NM_000722.4 (MANE Select); coding-DNA position 3218, T replaced by C.
Protein change: p.Ile1073Thr; replaces isoleucine 1073 with threonine.
Molecular consequence: missense variant.
Genome position (GRCh38, 1-based): chr7:81,950,450, A>G on the plus strand (T>C on the coding strand, the complement: CACNA2D1 is on the minus strand). VCF-style: chr7-81950450-A-G. GRCh37 (hg19) VCF-style: chr7-81579766-A-G.
Other names: c.3218T>C (LRG_437t1); c.3254T>C, p.Ile1085Thr (NM_001366867.1); short protein forms I1073T, I1085T.
Identifiers: ClinVar variation 264507 (VCV000264507.16), dbSNP rs146250893, ClinGen allele CA4317334.

ClinVar aggregate classification (germline): Uncertain significance. Review status: criteria provided, multiple submitters, no conflicts (2 of 4 stars). 4 submissions from 4 submitters: Uncertain significance (2). 2 of the submissions do not count toward it. Last evaluated 2026-02-02.

Conditions:
Brugada syndrome. Also called: Sudden unexplained nocturnal death syndrome; Sudden unexpected nocturnal death syndrome; Sudden Unexplained Death Syndrome; Sudden Unexplained Nocturnal Death Syndrome (SUNDS). Identifiers: Orphanet 130, MedGen C1142166, MONDO:0015263.
Cardiovascular phenotype. Identifiers: MedGen CN230736.

Allele frequency attached by ClinVar (database versions not stated): gnomAD exomes 0.00003 and 0.00004; gnomAD 0.00005 and 0.00006; ExAC 0.00006; ESP Exome Variant Server 0.00008; TOPMed 0.00009.
gnomAD v4.1: 49 of 1,613,214 alleles (0.003%); highest among the groups gnomAD compares: Admixed American, 0.0084%; no homozygotes.

Submissions (4):

Labcorp Genetics (formerly Invitae), Labcorp
Classification: Uncertain significance for Brugada syndrome. Last evaluated: 2026-02-02. Review status: criteria provided, single submitter. Criteria: Invitae Variant Classification Sherloc (09022015). Collection method: clinical testing. Allele origin: germline.
Comment: This sequence change replaces isoleucine, which is neutral and non-polar, with threonine, which is neutral and polar, at codon 1073 of the CACNA2D1 protein (p.Ile1073Thr). This variant is present in population databases (rs146250893, gnomAD 0.01%). This missense change has been observed in individual(s) with Brugada syndrome and/or neurodevelopmental disorder(s) (PMID: 26220970, 33057194, 35982159). This variant is also known as c.854T>C, p.I285T. ClinVar contains an entry for this variant (Variation ID: 264507). An algorithm developed to predict the effect of missense changes on protein structure and function (PolyPhen-2) suggests that this variant is likely to be tolerated. In summary, the available evidence is currently insufficient to determine the role of this variant in disease. Therefore, it has been classified as a Variant of Uncertain Significance.

Ambry Genetics
Classification: Uncertain significance for Cardiovascular phenotype. Last evaluated: 2024-11-03. Review status: criteria provided, single submitter. Criteria: Ambry Variant Classification Scheme 2023. Collection method: clinical testing. Allele origin: germline.
Comment: The p.I1073T variant (also known as c.3218T>C), located in coding exon 39 of the CACNA2D1 gene, results from a T to C substitution at nucleotide position 3218. The isoleucine at codon 1073 is replaced by threonine, an amino acid with similar properties. This amino acid position is poorly conserved in available vertebrate species. In addition, this alteration is predicted to be tolerated by in silico analysis. Since supporting evidence is limited at this time, the clinical significance of this variant remains unclear.

Genome Diagnostics Laboratory, University Medical Center Utrecht
Classification: Likely benign. Review status: no assertion criteria provided. Collection method: clinical testing. Allele origin: germline. Affected: yes. Study: VKGL Data-share Consensus. Not counted in ClinVar's aggregate classification.

Joint Genome Diagnostic Labs from Nijmegen and Maastricht, Radboudumc and MUMC+
Classification: Likely benign. Review status: no assertion criteria provided. Collection method: clinical testing. Allele origin: germline. Affected: yes. Study: VKGL Data-share Consensus. Not counted in ClinVar's aggregate classification.

Literature cited by the submitters: PubMed 26220970 (cited by Labcorp Genetics (formerly Invitae), Labcorp); PubMed 33057194 (cited by Labcorp Genetics (formerly Invitae), Labcorp); PubMed 35982159 (cited by Labcorp Genetics (formerly Invitae), Labcorp).